The following is an entry in ClinVar:

ClinVar aggregate classification (germline): Uncertain significance (1 of 4 stars; one submission).

Allele frequency attached by ClinVar (database versions not stated): gnomAD 0.00001; TOPMed 0.00001.
gnomAD v4.1: 1 of 1,613,258 alleles (0.000062%); highest among the groups gnomAD compares: Non-Finnish European, 0.000085%; no homozygotes.

Submission:

Labcorp Genetics (formerly Invitae), Labcorp
Classification: Uncertain significance. Last evaluated: 2021-11-26. Review status: criteria provided, single submitter. Criteria: Invitae Variant Classification Sherloc (09022015). Collection method: clinical testing. Allele origin: germline.
Comment: Variants that disrupt the consensus splice site are a relatively common cause of aberrant splicing (PMID: 17576681, 9536098). Algorithms developed to predict the effect of sequence changes on RNA splicing suggest that this variant may disrupt the consensus splice site. This sequence change falls in intron 2 of the EFL1 gene. It does not directly change the encoded amino acid sequence of the EFL1 protein. It affects a nucleotide within the consensus splice site. This variant is not present in population databases (gnomAD no frequency). This variant has not been reported in the literature in individuals affected with EFL1-related conditions. In summary, the available evidence is currently insufficient to determine the role of this variant in disease. Therefore, it has been classified as a Variant of Uncertain Significance.

Literature cited by the submitters: PubMed 17576681; PubMed 9536098.

NM_024580.6(EFL1):c.91+4A>G

Gene: EFL1 (elongation factor like GTPase 1; minus strand). Cytogenetic location: 15q25.2.
Variant type: single nucleotide variant.
Coding change: c.91+4A>G on transcript NM_024580.6 (MANE Select); 4 bases into the intron after coding-DNA position 91, A replaced by G.
Molecular consequence: intron variant.
Genome position (GRCh38, 1-based): chr15:82,261,684, T>C on the plus strand (A>G on the coding strand, the complement: EFL1 is on the minus strand). VCF-style: chr15-82261684-T-C. GRCh37 (hg19) VCF-style: chr15-82554025-T-C.
Other names: c.91+4A>G (NM_001040610.3, NM_001322845.2); c.-614+4A>G (NM_001322844.2).
Identifiers: ClinVar variation 1997424 (VCV001997424.3), dbSNP rs1384244974, ClinGen allele CA716296835.
Genomic context (GRCh38, chr15:82,261,684, plus strand): 5'-CTGAGACATACAGAGACACATCTCCCTTATTTATCAAAATAAGCCATTTAAAAAGTATTC[T>C]TACCATGGTCAACATGAGCCAAAACACAAATATTCCTGATGTTGGCAGTGTTTTTCTGGA-3'